The following is an entry in ClinVar:

ClinVar aggregate classification (germline): Pathogenic (1 of 4 stars; one submission).

Conditions:
ERCC2-related disorder. Also called: ERCC2-related conditions; ERCC2-related condition; ERCC2-related disorders. Identifiers: MedGen CN239291.

Submission:

Myriad Genetics, Inc.
Classification: Pathogenic for ERCC2-related disorder. Last evaluated: 2025-11-14. Review status: criteria provided, single submitter. Criteria: Myriad Autosomal Dominant, Autosomal Recessive and X-Linked Classification Criteria (2023). Collection method: clinical testing. Allele origin: unknown.
Comment: NM_000400.3(ERCC2):c.1666_1684dup19(Q562Rfs*4) is a frameshift variant classified as pathogenic in the context of ERCC2-related disorders. Q562Rfs*4 has not been observed in cases with relevant disease. Relevant functional assessments of this variant are not available in the literature. Q562Rfs*4 has not been observed in referenced population frequency databases. In summary, NM_000400.3(ERCC2):c.1666_1684dup19(Q562Rfs*4) is a frameshift variant in a gene where loss of function is a known mechanism of disease and is predicted to disrupt protein function. Please note: this variant was assessed in the context of healthy population screening.

NM_000400.4(ERCC2):c.1666_1684dup (p.Gln562delinsArgAspProTer)

Gene: ERCC2 (ERCC excision repair 2, TFIIH core complex helicase subunit; minus strand). Cytogenetic location: 19q13.32.
Variant type: Duplication.
Coding change: c.1666_1684dup on transcript NM_000400.4 (MANE Select); coding-DNA positions 1666 to 1684, 19 bases duplicated (GGGATCCTTGAGAACATCC).
Protein change: p.Gln562delinsArgAspProTer.
Molecular consequence: nonsense. On other transcripts: non-coding transcript variant (3).
Genome position (GRCh38, 1-based): chr19:45,353,316-45,353,334, GGATGTTCTCAAGGATCCC duplicated on the plus strand (GGGATCCTTGAGAACATCC on the coding strand, the reverse complement: ERCC2 is on the minus strand). VCF-style (leftmost placement, unchanged base first): chr19-45353315-T-TGGATGTTCTCAAGGATCCC. GRCh37 (hg19) VCF-style: chr19-45856573-T-TGGATGTTCTCAAGGATCCC.
Other names: c.1594_1612dup, p.Gln538delinsArgAspProTer (NM_001440355.1); c.1588_1606dup, p.Gln536delinsArgAspProTer (NM_001440356.1); c.1543_1561dup, p.Gln521delinsArgAspProTer (NM_001440357.1).
Identifiers: ClinVar variation 5004284 (VCV005004284.1).
Genomic context (GRCh38, chr19:45,353,315, plus strand): 5'-TCCAGGGCGACACTGGTTTCGGCACCATCCTGGGTCTCAATAAAGAGCAGCTTGTTCCTC[T>TGGATGTTCTCAAGGATCCC]GGATGTTCTCAAGGATCCCCTGGGGAAGGACCCAGGGAGGTCAGGGTGGGTTCAGGGCAC-3'